The following is an entry in ClinVar:

NM_024652.6(LRRK1):c.14_34del (p.Ser5_Met11del)

Gene: LRRK1 (leucine rich repeat kinase 1; plus strand). Cytogenetic location: 15q26.3.
Variant type: Deletion.
Coding change: c.14_34del on transcript NM_024652.6 (MANE Select); coding-DNA positions 14 to 34, 21 bases deleted (CGCAAAGACCCCCCAGCATGT).
Protein change: p.Ser5_Met11del.
Molecular consequence: inframe deletion.
Genome position (GRCh38, 1-based): chr15:100,924,646-100,924,666, CGCAAAGACCCCCCAGCATGT deleted; deleting any 21 consecutive bases within chr15:100,924,640-100,924,666 gives the same sequence; the c. name uses the placement nearest the transcript's 3' end. VCF-style (leftmost placement, unchanged base first): chr15-100924639-GGCATGTCGCAAAGACCCCCCA-G. GRCh37 (hg19) VCF-style: chr15-101464844-GGCATGTCGCAAAGACCCCCCA-G.
Identifiers: ClinVar variation 1974654 (VCV001974654.5), dbSNP rs2505610343, ClinGen allele CA2575847655.
Genomic context (GRCh38, chr15:100,924,639, plus strand): 5'-GTGGCAGTGACAACAGCGGGACCTGCCTTTGAAGATCGGCTGCTGCAAGGGTTGATGGCT[GGCATGTCGCAAAGACCCCCCA>G]GCATGTACTGGTGTGTGGGGCCGGAGGAGTCAGCTGTGTGTCCAGAACGTGCCATGGAGA-3'

ClinVar aggregate classification (germline): Uncertain significance (1 of 4 stars; one submission).

Submission:

Labcorp Genetics (formerly Invitae), Labcorp
Classification: Uncertain significance. Last evaluated: 2022-06-28. Review status: criteria provided, single submitter. Criteria: Invitae Variant Classification Sherloc (09022015). Collection method: clinical testing. Allele origin: germline.
Comment: In summary, the available evidence is currently insufficient to determine the role of this variant in disease. Therefore, it has been classified as a Variant of Uncertain Significance. Experimental studies and prediction algorithms are not available or were not evaluated, and the functional significance of this variant is currently unknown. This variant has not been reported in the literature in individuals affected with LRRK1-related conditions. This variant is not present in population databases (gnomAD no frequency). This variant, c.14_34del, results in the deletion of 7 amino acid(s) of the LRRK1 protein (p.Ser5_Met11del), but otherwise preserves the integrity of the reading frame.